The following is an entry in ClinVar:

NM_001377530.1(DMBT1):c.1626G>A (p.Leu542=)

Gene: DMBT1 (deleted in malignant brain tumors 1; plus strand). Cytogenetic location: 10q26.13.
Variant type: single nucleotide variant.
Coding change: c.1626G>A on transcript NM_001377530.1 (MANE Select); coding-DNA position 1626, G replaced by A.
Protein change: p.Leu542=; no amino-acid change (leucine 542 retained).
Molecular consequence: synonymous variant. On other transcripts: intron variant (1).
Genome position (GRCh38, 1-based): chr10:122,586,226, G>A. VCF-style: chr10-122586226-G-A. GRCh37 (hg19) VCF-style: chr10-124345742-G-A.
Other names: c.1626G>A, p.Leu542= (NM_001320644.2, NM_007329.3); c.1596G>A, p.Leu532= (NM_017579.3); c.1420+1875G>A (NM_004406.3).
Identifiers: ClinVar variation 4872696 (VCV004872696.2).
Genomic context (GRCh38, chr10:122,586,226, plus strand): 5'-CTGGGACACCAATGATGCCAATGTGGTCTGCAGGCAGCTGGGCTGTGGCTGGGCCATGTT[G>A]GCCCCAGGAAATGCCCGGTTTGGTCAGGGCTCAGGACCCATTGTCCTGGATGACGTGCGC-3'
Protein context (NP_001364459.1, residues 532-552): CRQLGCGWAM[Leu542=]APGNARFGQG

ClinVar aggregate classification (germline): Likely benign (1 of 4 stars; one submission).

gnomAD v4.1: 178 of 1,588,866 alleles (0.011%); highest among the groups gnomAD compares: South Asian, 0.052%; 21 homozygotes.

Submission:

CeGaT Center for Human Genetics Tuebingen
Classification: Likely benign. Last evaluated: 2026-05-01. Review status: criteria provided, single submitter. Criteria: CeGaT Center For Human Genetics Tuebingen Variant Classification Criteria Version 2. Collection method: clinical testing. Allele origin: germline. Affected: yes. Observed: 1 variant allele.
Comment: DMBT1: BP4, BP7